The following is an entry in ClinVar:

NM_014991.6(WDFY3):c.4822A>G (p.Ile1608Val)

Gene: WDFY3 (WD repeat and FYVE domain containing 3; minus strand). Cytogenetic location: 4q21.23.
Variant type: single nucleotide variant.
Coding change: c.4822A>G on transcript NM_014991.6 (MANE Select); coding-DNA position 4822, A replaced by G.
Protein change: p.Ile1608Val; replaces isoleucine 1608 with valine.
Molecular consequence: missense variant.
Genome position (GRCh38, 1-based): chr4:84,772,862, T>C on the plus strand (A>G on the coding strand, the complement: WDFY3 is on the minus strand). VCF-style: chr4-84772862-T-C. GRCh37 (hg19) VCF-style: chr4-85694015-T-C.
Other names: short protein forms I1608V.
Identifiers: ClinVar variation 3359505 (VCV003359505.1).
Genomic context (GRCh38, chr4:84,772,862, plus strand): 5'-CACTATCTTCTCCAAGCTCCAGAATCAACTTACCAGTGTCAAGCTTCTCTTCATTATTTA[T>C]TTCCATTACTACAAATTTCTCACAAACCGCAAAGGTTGGCAAAGTAGAAGAAATAAACTG-3'
Protein context (NP_055806.2, residues 1598-1618): AVCEKFVVME[Ile1608Val]NNEEKLDTGT

ClinVar aggregate classification (germline): Uncertain significance (1 of 4 stars; one submission).

Submission:

GeneDx
Classification: Uncertain significance. Last evaluated: 2023-06-08. Review status: criteria provided, single submitter. Criteria: GeneDx Variant Classification Process June 2021. Collection method: clinical testing. Allele origin: germline. Affected: yes.
Comment: Not observed at significant frequency in large population cohorts (gnomAD); In silico analysis supports that this missense variant does not alter protein structure/function; Has not been previously published as pathogenic or benign to our knowledge